The following is an entry in ClinVar:

ClinVar aggregate classification (germline): Uncertain significance (1 of 4 stars; one submission).

Allele frequency attached by ClinVar (database versions not stated): gnomAD 0.00002; gnomAD exomes 0.00003; ExAC 0.00007.
gnomAD v4.1: 49 of 1,614,226 alleles (0.003%); highest among the groups gnomAD compares: South Asian, 0.046%; no homozygotes.

Submission:

Labcorp Genetics (formerly Invitae), Labcorp
Classification: Uncertain significance. Last evaluated: 2023-06-29. Review status: criteria provided, single submitter. Criteria: Invitae Variant Classification Sherloc (09022015). Collection method: clinical testing. Allele origin: germline.
Comment: This variant is present in population databases (rs777019374, gnomAD 0.05%). In summary, the available evidence is currently insufficient to determine the role of this variant in disease. Therefore, it has been classified as a Variant of Uncertain Significance. Advanced modeling of protein sequence and biophysical properties (such as structural, functional, and spatial information, amino acid conservation, physicochemical variation, residue mobility, and thermodynamic stability) performed at Invitae indicates that this missense variant is not expected to disrupt MGME1 protein function. ClinVar contains an entry for this variant (Variation ID: 1902931). This variant has not been reported in the literature in individuals affected with MGME1-related conditions. This sequence change replaces asparagine, which is neutral and polar, with serine, which is neutral and polar, at codon 105 of the MGME1 protein (p.Asn105Ser).

NM_052865.4(MGME1):c.314A>G (p.Asn105Ser)

Genes: MGME1 (mitochondrial genome maintenance exonuclease 1; plus strand), LOC126862983 (CDK7 strongly-dependent group 2 enhancer GRCh37_chr20:17950167-17951366; plus strand). Cytogenetic location: 20p11.23.
Variant type: single nucleotide variant.
Coding change: c.314A>G on transcript NM_052865.4 (MANE Select); coding-DNA position 314, A replaced by G.
Protein change: p.Asn105Ser; replaces asparagine 105 with serine.
Molecular consequence: missense variant. On other transcripts: intron variant (1).
Genome position (GRCh38, 1-based): chr20:17,970,173, A>G. VCF-style: chr20-17970173-A-G. GRCh37 (hg19) VCF-style: chr20-17950816-A-G.
Other names: c.314A>G, p.Asn105Ser (NM_001310338.2, NM_001310339.2); c.271+43A>G (NM_001363738.2); short protein forms N105S.
Identifiers: ClinVar variation 1902931 (VCV001902931.3), dbSNP rs777019374, ClinGen allele CA9774912.